The following is an entry in ClinVar:

NM_006208.3(ENPP1):c.203C>A (p.Thr68Asn)

Gene: ENPP1 (ectonucleotide pyrophosphatase/phosphodiesterase 1; plus strand). Cytogenetic location: 6q23.2.
Variant type: single nucleotide variant.
Coding change: c.203C>A on transcript NM_006208.3 (MANE Select); coding-DNA position 203, C replaced by A.
Protein change: p.Thr68Asn; replaces threonine 68 with asparagine.
Molecular consequence: missense variant.
Genome position (GRCh38, 1-based): chr6:131,808,238, C>A. VCF-style: chr6-131808238-C-A. GRCh37 (hg19) VCF-style: chr6-132129378-C-A.
Other names: short protein forms T68N.
Identifiers: ClinVar variation 2618960 (VCV002618960.4), dbSNP rs1243798306, ClinGen allele CA365662354.

ClinVar aggregate classification (germline): Uncertain significance. Review status: criteria provided, multiple submitters, no conflicts (2 of 4 stars). 2 submissions from 2 submitters: Uncertain significance (2). Last evaluated 2025-06-09.

Conditions:
Inborn genetic diseases. Identifiers: MedGen C0950123, MeSH D030342.

Allele frequency attached by ClinVar (database versions not stated): TOPMed below 0.00001; gnomAD 0.00001.
gnomAD v4.1: 7 of 1,516,936 alleles (0.00046%); highest among the groups gnomAD compares: East Asian, 0.019%; no homozygotes.

Submissions (2):

Labcorp Genetics (formerly Invitae), Labcorp
Classification: Uncertain significance. Last evaluated: 2025-06-09. Review status: criteria provided, single submitter. Criteria: Invitae Variant Classification Sherloc (09022015). Collection method: clinical testing. Allele origin: germline.
Comment: This sequence change replaces threonine, which is neutral and polar, with asparagine, which is neutral and polar, at codon 68 of the ENPP1 protein (p.Thr68Asn). This variant is not present in population databases (gnomAD no frequency). This variant has not been reported in the literature in individuals affected with ENPP1-related conditions. ClinVar contains an entry for this variant (Variation ID: 2618960). An algorithm developed to predict the effect of missense changes on protein structure and function (PolyPhen-2) suggests that this variant is likely to be tolerated. In summary, the available evidence is currently insufficient to determine the role of this variant in disease. Therefore, it has been classified as a Variant of Uncertain Significance.

Ambry Genetics
Classification: Uncertain significance for Inborn genetic diseases. Last evaluated: 2023-08-15. Review status: criteria provided, single submitter. Criteria: Ambry Variant Classification Scheme 2023. Collection method: clinical testing. Allele origin: germline.